The following is an entry in ClinVar:

NC_000011.9:g.(?_66278131)_(66283424_?)del

Gene: BBS1 (Bardet-Biedl syndrome 1; plus strand). Cytogenetic location: 11q13.2.
Variant type: Deletion.
Identifiers: ClinVar variation 2426852 (VCV002426852.2).

ClinVar aggregate classification (germline): Pathogenic (1 of 4 stars; one submission).

Conditions:
Bardet-Biedl syndrome (BBS). Identifiers: Orphanet 110, MedGen C0752166, MONDO:0015229.

Submission:

Labcorp Genetics (formerly Invitae), Labcorp
Classification: Pathogenic for Bardet-Biedl syndrome. Last evaluated: 2022-07-29. Review status: criteria provided, single submitter. Criteria: Invitae Variant Classification Sherloc (09022015). Collection method: clinical testing. Allele origin: germline.
Comment: This variant is a gross deletion of the genomic region encompassing exon(s) 1-7 of the BBS1 gene, which includes the initiator codon. This deletion extends beyond the assayed region for this gene and therefore may encompass additional genes. It is expected to result in an absent or disrupted protein product. Loss-of-function variants in BBS1 are known to be pathogenic (PMID: 12118255, 21520335, 27032803). This variant has not been reported in the literature in individuals affected with BBS1-related conditions. For these reasons, this variant has been classified as Pathogenic.

Literature cited by the submitters: PubMed 12118255; PubMed 21520335; PubMed 27032803.